The following is an entry in ClinVar:

NM_001267550.2(TTN):c.104194C>T (p.His34732Tyr)

Genes: TTN-AS1 (TTN antisense RNA 1; plus strand), TTN (titin; minus strand). Cytogenetic location: 2q31.2.
Variant type: single nucleotide variant.
Coding change: c.104194C>T on transcript NM_001267550.2 (MANE Select); coding-DNA position 104194, C replaced by T.
Protein change: p.His34732Tyr; replaces histidine 34732 with tyrosine.
Molecular consequence: missense variant.
Genome position (GRCh38, 1-based): chr2:178,532,421, G>A on the plus strand (C>T on the coding strand, the complement: TTN is on the minus strand). VCF-style: chr2-178532421-G-A. GRCh37 (hg19) VCF-style: chr2-179397148-G-A.
Other names: c.99271C>T, p.His33091Tyr (NM_001256850.1); c.76999C>T, p.His25667Tyr (NM_003319.4); c.96490C>T, p.His32164Tyr (NM_133378.4); c.77374C>T, p.His25792Tyr (NM_133432.3); c.77575C>T, p.His25859Tyr (NM_133437.4); short protein forms H25859Y, H32164Y, H34732Y, H25792Y, H25667Y, H33091Y.
Identifiers: ClinVar variation 4787279 (VCV004787279.1).

ClinVar aggregate classification (germline): Uncertain significance (1 of 4 stars; one submission).

Conditions:
Autosomal recessive limb-girdle muscular dystrophy type 2J (LGMDR10). Also called: Limb-girdle muscular dystrophy, type 2J; MUSCULAR DYSTROPHY, LIMB-GIRDLE, AUTOSOMAL RECESSIVE 10. Identifiers: Orphanet 140922, MedGen C1837342, MONDO:0012127, OMIM 608807.
Dilated cardiomyopathy 1G (CMD1G). Identifiers: Orphanet 154, MedGen C1858763, MONDO:0011400, OMIM 604145.

Submission:

Labcorp Genetics (formerly Invitae), Labcorp
Classification: Uncertain significance for Dilated cardiomyopathy 1G; Autosomal recessive limb-girdle muscular dystrophy type 2J. Last evaluated: 2026-01-14. Review status: criteria provided, single submitter. Criteria: Invitae Variant Classification Sherloc (09022015). Collection method: clinical testing. Allele origin: germline.
Comment: This sequence change replaces histidine, which is basic and polar, with tyrosine, which is neutral and polar, at codon 34732 of the TTN protein (p.His34732Tyr). This variant is not present in population databases (gnomAD no frequency). This variant has not been reported in the literature in individuals affected with TTN-related conditions. Experimental studies and prediction algorithms are not available or were not evaluated, and the functional significance of this variant is currently unknown. In summary, the available evidence is currently insufficient to determine the role of this variant in disease. Therefore, it has been classified as a Variant of Uncertain Significance.